The following is an entry in ClinVar:

ClinVar aggregate classification (germline): Uncertain significance (1 of 4 stars; one submission).

Conditions:
Aicardi-Goutieres syndrome 4. Identifiers: Orphanet 51, MedGen C1835912, MONDO:0012472, OMIM 610333.

Allele frequency attached by ClinVar (database versions not stated): gnomAD exomes below 0.00001.

Submission:

Labcorp Genetics (formerly Invitae), Labcorp
Classification: Uncertain significance for Aicardi-Goutieres syndrome 4. Last evaluated: 2022-04-22. Review status: criteria provided, single submitter. Criteria: Invitae Variant Classification Sherloc (09022015). Collection method: clinical testing. Allele origin: germline.
Comment: In summary, the available evidence is currently insufficient to determine the role of this variant in disease. Therefore, it has been classified as a Variant of Uncertain Significance. Algorithms developed to predict the effect of missense changes on protein structure and function (SIFT, PolyPhen-2, Align-GVGD) all suggest that this variant is likely to be disruptive. This sequence change replaces glycine, which is neutral and non-polar, with serine, which is neutral and polar, at codon 32 of the RNASEH2A protein (p.Gly32Ser). This variant is not present in population databases (gnomAD no frequency). This variant has not been reported in the literature in individuals affected with RNASEH2A-related conditions.

NM_006397.3(RNASEH2A):c.94G>A (p.Gly32Ser)

Genes: RNASEH2A (ribonuclease H2 subunit A; plus strand), LOC117038795 (CRISPRi-FlowFISH-validated PRDX2 regulatory element 4; plus strand). Cytogenetic location: 19p13.13.
Variant type: single nucleotide variant.
Coding change: c.94G>A on transcript NM_006397.3 (MANE Select); coding-DNA position 94, G replaced by A.
Protein change: p.Gly32Ser; replaces glycine 32 with serine.
Molecular consequence: missense variant.
Genome position (GRCh38, 1-based): chr19:12,806,767, G>A. VCF-style: chr19-12806767-G-A. GRCh37 (hg19) VCF-style: chr19-12917581-G-A.
Other names: short protein forms G32S.
Identifiers: ClinVar variation 2109791 (VCV002109791.4), dbSNP rs1414936047, ClinGen allele CA404263421.